The following is an entry in ClinVar:

ClinVar aggregate classification (germline): Pathogenic (1 of 4 stars; one submission).

Conditions:
Glycogen storage disease, type V (GSD5). Also called: MCARDLE DISEASE; PYGM DEFICIENCY; McArdle type glycogen storage disease; MUSCLE GLYCOGEN PHOSPHORYLASE DEFICIENCY; MYOPHOSPHORYLASE DEFICIENCY. Identifiers: Orphanet 368, MedGen C0017924, MONDO:0009293, OMIM 232600.

Submission:

Labcorp Genetics (formerly Invitae), Labcorp
Classification: Pathogenic for Glycogen storage disease, type V. Last evaluated: 2022-12-07. Review status: criteria provided, single submitter. Criteria: Invitae Variant Classification Sherloc (09022015). Collection method: clinical testing. Allele origin: unknown.
Comment: For these reasons, this variant has been classified as Pathogenic. This variant disrupts a region of the PYGM protein in which other variant(s) (p.Glu655Lys) have been determined to be pathogenic (PMID: 8535454). This suggests that this is a clinically significant region of the protein, and that variants that disrupt it are likely to be disease-causing. A similar copy number variant has been observed in individual(s) with McArdle‚Äôs disease (PMID: 35741838). This variant is a gross deletion of the genomic region encompassing exon(s) 15-16 of the PYGM gene. This variant would be expected to be in-frame, preserving the integrity of the reading frame.

Literature cited by the submitters: PubMed 8535454; PubMed 35741838.

NC_000011.9:g.(?_64518135)_(64519387_?)del

Gene: PYGM (glycogen phosphorylase, muscle associated; minus strand). Cytogenetic location: 11q13.1.
Variant type: Deletion.
Identifiers: ClinVar variation 3244535 (VCV003244535.1).